The following is an entry in ClinVar:

ClinVar aggregate classification (germline): Benign/Likely benign. Review status: criteria provided, multiple submitters, no conflicts (2 of 4 stars). 3 submissions from 3 submitters: Benign (1); Likely benign (2). Last evaluated 2025-03-26.

Conditions:
Peutz-Jeghers syndrome (PJS). Also called: Periorificial lentiginosis syndrome; Peutz-Jeghers polyposis; POLYPOSIS, HAMARTOMATOUS INTESTINAL; POLYPS-AND-SPOTS SYNDROME. Identifiers: Orphanet 2869, MedGen C0031269, MeSH D010580, MONDO:0008280, OMIM 175200.

Submissions (3):

Myriad Genetics, Inc.
Classification: Benign for Peutz-Jeghers syndrome. Last evaluated: 2025-03-26. Review status: criteria provided, single submitter. Criteria: Myriad Autosomal Dominant, Autosomal Recessive and X-Linked Classification Criteria (2023). Collection method: clinical testing. Allele origin: unknown.
Comment: This variant is considered benign. This variant is a silent/synonymous amino acid change and it is not expected to impact splicing.

Labcorp Genetics (formerly Invitae), Labcorp
Classification: Likely benign for Peutz-Jeghers syndrome. Last evaluated: 2025-01-15. Review status: criteria provided, single submitter. Criteria: Invitae Variant Classification Sherloc (09022015). Collection method: clinical testing. Allele origin: germline.

Women's Health and Genetics/Laboratory Corporation of America, LabCorp
Classification: Likely benign. Last evaluated: 2019-08-29. Review status: criteria provided, single submitter. Criteria: LabCorp Variant Classification Summary - May 2015. Collection method: clinical testing. Allele origin: germline.

NM_000455.5(STK11):c.435G>A (p.Glu145=)

Gene: STK11 (serine/threonine kinase 11; plus strand). Cytogenetic location: 19p13.3.
Variant type: single nucleotide variant.
Coding change: c.435G>A on transcript NM_000455.5 (MANE Select); coding-DNA position 435, G replaced by A.
Protein change: p.Glu145=; no amino-acid change (glutamic acid 145 retained).
Molecular consequence: synonymous variant.
Genome position (GRCh38, 1-based): chr19:1,219,384, G>A. VCF-style: chr19-1219384-G-A. GRCh37 (hg19) VCF-style: chr19-1219383-G-A.
Identifiers: ClinVar variation 495870 (VCV000495870.12), dbSNP rs1555737810, ClinGen allele CA504706611.